The following is an entry in ClinVar:

NM_007348.4(ATF6):c.780_784del (p.Gly261fs)

Gene: ATF6 (activating transcription factor 6; plus strand). Cytogenetic location: 1q23.3.
Variant type: Deletion.
Coding change: c.780_784del on transcript NM_007348.4 (MANE Select); coding-DNA positions 780 to 784, 5 bases deleted (GGGAG; older notation c.780_784delGGGAG).
Protein change: p.Gly261fs; shifts the reading frame from glycine 261.
Molecular consequence: frameshift variant.
Genome position (GRCh38, 1-based): chr1:161,802,143-161,802,147, GGGAG deleted; deleting any 5 consecutive bases within chr1:161,802,142-161,802,147 gives the same sequence; the c. name uses the placement nearest the transcript's 3' end. VCF-style (leftmost placement, unchanged base first): chr1-161802141-GGGGGA-G. GRCh37 (hg19) VCF-style: chr1-161771931-GGGGGA-G.
Other names: c.780_784del, p.Gly261fs (NM_001410890.1); short protein forms G261fs.
Identifiers: ClinVar variation 3377706 (VCV003377706.1).

ClinVar aggregate classification (germline): Likely pathogenic (1 of 4 stars; one submission).

Conditions:
Achromatopsia 7 (ACHM7). Identifiers: Orphanet 49382, MedGen C4225297, MONDO:0014677, OMIM 616517.

Submission:

Neuberg Centre For Genomic Medicine, NCGM
Classification: Likely pathogenic for Achromatopsia 7. Last evaluated: 2023-06-22. Review status: criteria provided, single submitter. Criteria: ACMG Guidelines, 2015. Collection method: clinical testing. Allele origin: germline. Inheritance: Autosomal recessive inheritance. Affected: yes.
Comment: The observed frameshift c.780_784del (p.Gly261HisfsTer5) variant in ATF6 gene has not been reported previously as a pathogenic variant nor as a benign variant, to our knowledge. The p.Gly261HisfsTer5 variant is absent in gnomAD Exomes. This variant has not been submitted to the ClinVar database. This variant causes a frameshift starting with codon Glycine 261, changes this amino acid to Histidine residue, and creates a premature Stop codon at position 5 of the new reading frame, denoted p.Gly261HisfsTer5. This variant is predicted to cause loss of normal protein function through protein truncation. Loss of function variants in ATF6 gene have been previously reported to be disease causing (Kroeger et al., 2021). However, additional functional studies will be required to prove the pathogenicity of this variant. For these reasons, this variant has been classified as Likely Pathogenic.